The following is an entry in ClinVar:

NM_001081550.2(THOC2):c.4633T>C (p.Phe1545Leu)

Gene: THOC2 (THO complex subunit 2; minus strand). Cytogenetic location: Xq25.
Variant type: single nucleotide variant.
Coding change: c.4633T>C on transcript NM_001081550.2 (MANE Select); coding-DNA position 4633, T replaced by C.
Protein change: p.Phe1545Leu; replaces phenylalanine 1545 with leucine.
Molecular consequence: missense variant.
Genome position (GRCh38, 1-based): chrX:123,613,443, A>G on the plus strand (T>C on the coding strand, the complement: THOC2 is on the minus strand). VCF-style: chrX-123613443-A-G. GRCh37 (hg19) VCF-style: chrX-122747294-A-G.
Other names: c.4714T>C, p.Phe1572Leu (NM_001441235.1); c.4633T>C, p.Phe1545Leu (NM_001441236.1); short protein forms F1545L, F1572L.
Identifiers: ClinVar variation 4281894 (VCV004281894.1).
Genomic context (GRCh38, chrX:123,613,443, plus strand): 5'-TATTTTCCTAATTTACCTTTTTGCCACCGGAGGAGATTTTATCCATCTTCTCAGATTTAA[A>G]TGAATCACTGCCTTTTTCTTTGCCTGAAGATTTTGACTTATTTTTTTCCTTGTCTTTCTC-3'
Protein context (NP_001075019.1, residues 1535-1555): SSGKEKGSDS[Phe1545Leu]KSEKMDKISS

ClinVar aggregate classification (germline): Uncertain significance (1 of 4 stars; one submission).

gnomAD v4.1: 1 of 1,209,920 alleles (0.000083%); highest among the groups gnomAD compares: Admixed American, 0.0022%; no homozygotes.

Submission:

GeneDx
Classification: Uncertain significance. Last evaluated: 2025-04-14. Review status: criteria provided, single submitter. Criteria: GeneDx Variant Classification Process June 2021. Collection method: clinical testing. Allele origin: germline. Affected: yes.
Comment: In silico analysis supports that this missense variant has a deleterious effect on protein structure/function; Has not been previously published as pathogenic or benign to our knowledge